The following is an entry in ClinVar:

ClinVar aggregate classification (germline): Uncertain significance (1 of 4 stars; one submission).

Allele frequency attached by ClinVar (database versions not stated): TOPMed 0.00001; gnomAD exomes 0.00002 and 0.00003; ExAC 0.00009.
gnomAD v4.1: 35 of 1,551,018 alleles (0.0023%); highest among the groups gnomAD compares: South Asian, 0.026%; no homozygotes.

Submission:

Labcorp Genetics (formerly Invitae), Labcorp
Classification: Uncertain significance. Last evaluated: 2022-04-06. Review status: criteria provided, single submitter. Criteria: Invitae Variant Classification Sherloc (09022015). Collection method: clinical testing. Allele origin: germline.
Comment: This sequence change replaces arginine, which is basic and polar, with histidine, which is basic and polar, at codon 458 of the AP3B2 protein (p.Arg458His). The frequency data for this variant in the population databases is considered unreliable, as metrics indicate poor data quality at this position in the gnomAD database. This variant has not been reported in the literature in individuals affected with AP3B2-related conditions. Algorithms developed to predict the effect of missense changes on protein structure and function (SIFT, PolyPhen-2, Align-GVGD) all suggest that this variant is likely to be tolerated. In summary, the available evidence is currently insufficient to determine the role of this variant in disease. Therefore, it has been classified as a Variant of Uncertain Significance.

NM_001278512.2(AP3B2):c.1373G>A (p.Arg458His)

Genes: AP3B2 (adaptor related protein complex 3 subunit beta 2; minus strand), CPEB1-AS1 (CPEB1 antisense RNA 1; plus strand). Cytogenetic location: 15q25.2.
Variant type: single nucleotide variant.
Coding change: c.1373G>A on transcript NM_001278512.2 (MANE Select); coding-DNA position 1373, G replaced by A.
Protein change: p.Arg458His; replaces arginine 458 with histidine.
Molecular consequence: missense variant.
Genome position (GRCh38, 1-based): chr15:82,677,676, C>T on the plus strand (G>A on the coding strand, the complement: AP3B2 is on the minus strand). VCF-style: chr15-82677676-C-T. GRCh37 (hg19) VCF-style: chr15-83346428-C-T.
Other names: c.1373G>A, p.Arg458His (NM_004644.5); c.1277G>A, p.Arg426His (NM_001278511.2); short protein forms R426H, R458H.
Identifiers: ClinVar variation 1519443 (VCV001519443.5), dbSNP rs766260323, ClinGen allele CA7700241.
Genomic context (GRCh38, chr15:82,677,676, plus strand): 5'-CCTGCAGGCAGACACCCTCTGATCATCACGGTTAGACACTCAGGGAAACACTGACCATCA[C>T]GGTTGGACAGCAGCTGCACCAGGCCATTGAGGCAGGTGTCACGGACTCGGCCGATGTTAG-3'
Protein context (NP_001265441.1, residues 448-468): LNGLVQLLSN[Arg458His]DELVVAESVV